The following is an entry in ClinVar:

NM_198576.4(AGRN):c.4916A>G (p.Asp1639Gly)

Gene: AGRN (agrin; plus strand). Cytogenetic location: 1p36.33.
Variant type: single nucleotide variant.
Coding change: c.4916A>G on transcript NM_198576.4 (MANE Select); coding-DNA position 4916, A replaced by G.
Protein change: p.Asp1639Gly; replaces aspartic acid 1639 with glycine.
Molecular consequence: missense variant.
Genome position (GRCh38, 1-based): chr1:1,050,269, A>G. VCF-style: chr1-1050269-A-G. GRCh37 (hg19) VCF-style: chr1-985649-A-G.
Other names: c.4916A>G, p.Asp1639Gly (NM_001305275.2); c.4601A>G, p.Asp1534Gly (NM_001364727.2); short protein forms D1639G, D1534G.
Identifiers: ClinVar variation 1041839 (VCV001041839.9), dbSNP rs532777950, ClinGen allele CA509764.

ClinVar aggregate classification (germline): Uncertain significance (1 of 4 stars; one submission).

Conditions:
Congenital myasthenic syndrome 8. Also called: Myasthenic syndrome, congenital, 8, with pre- and postsynaptic defects; MYASTHENIC SYNDROME, CONGENITAL, DUE TO AGRIN DEFICIENCY. Identifiers: Orphanet 590, MedGen C3808739, MONDO:0014052, OMIM 615120.

Allele frequency attached by ClinVar (database versions not stated): TOPMed below 0.00001; ExAC 0.00001; gnomAD 0.00001; gnomAD exomes 0.00001; 1000 Genomes Project 30x 0.00016; 1000 Genomes Project 0.00020.

Submission:

Labcorp Genetics (formerly Invitae), Labcorp
Classification: Uncertain significance for Congenital myasthenic syndrome 8. Last evaluated: 2022-06-20. Review status: criteria provided, single submitter. Criteria: Invitae Variant Classification Sherloc (09022015). Collection method: clinical testing. Allele origin: germline.
Comment: In summary, the available evidence is currently insufficient to determine the role of this variant in disease. Therefore, it has been classified as a Variant of Uncertain Significance. Algorithms developed to predict the effect of missense changes on protein structure and function are either unavailable or do not agree on the potential impact of this missense change (SIFT: "Tolerated"; PolyPhen-2: "Possibly Damaging"; Align-GVGD: "Class C0"). ClinVar contains an entry for this variant (Variation ID: 1041839). This variant has not been reported in the literature in individuals affected with AGRN-related conditions. This variant is present in population databases (rs532777950, gnomAD 0.0009%). This sequence change replaces aspartic acid, which is acidic and polar, with glycine, which is neutral and non-polar, at codon 1639 of the AGRN protein (p.Asp1639Gly).